The following is an entry in ClinVar:

NM_004525.3(LRP2):c.3423G>T (p.Lys1141Asn)

Gene: LRP2 (LDL receptor related protein 2; minus strand). Cytogenetic location: 2q31.1.
Variant type: single nucleotide variant.
Coding change: c.3423G>T on transcript NM_004525.3 (MANE Select); coding-DNA position 3423, G replaced by T.
Protein change: p.Lys1141Asn; replaces lysine 1141 with asparagine.
Molecular consequence: missense variant.
Genome position (GRCh38, 1-based): chr2:169,244,700, C>A on the plus strand (G>T on the coding strand, the complement: LRP2 is on the minus strand). VCF-style: chr2-169244700-C-A. GRCh37 (hg19) VCF-style: chr2-170101210-C-A.
Other names: short protein forms K1141N.
Identifiers: ClinVar variation 2172000 (VCV002172000.1), dbSNP rs1469761752, ClinGen allele CA349151043.

ClinVar aggregate classification (germline): Uncertain significance (1 of 4 stars; one submission).

Allele frequency attached by ClinVar (database versions not stated): gnomAD exomes below 0.00001.
gnomAD v4.1: 2 of 1,614,222 alleles (0.00012%); highest among the groups gnomAD compares: Non-Finnish European, 0.000085%; no homozygotes.

Submission:

Labcorp Genetics (formerly Invitae), Labcorp
Classification: Uncertain significance. Last evaluated: 2022-06-24. Review status: criteria provided, single submitter. Criteria: Invitae Variant Classification Sherloc (09022015). Collection method: clinical testing. Allele origin: germline.
Comment: This sequence change replaces lysine, which is basic and polar, with asparagine, which is neutral and polar, at codon 1141 of the LRP2 protein (p.Lys1141Asn). This variant is present in population databases (no rsID available, gnomAD no frequency). This variant has not been reported in the literature in individuals affected with LRP2-related conditions. Advanced modeling of protein sequence and biophysical properties (such as structural, functional, and spatial information, amino acid conservation, physicochemical variation, residue mobility, and thermodynamic stability) performed at Invitae indicates that this missense variant is not expected to disrupt LRP2 protein function. In summary, the available evidence is currently insufficient to determine the role of this variant in disease. Therefore, it has been classified as a Variant of Uncertain Significance.